The following is an entry in ClinVar:

ClinVar aggregate classification (germline): Conflicting classifications of pathogenicity. Review status: criteria provided, conflicting classifications (1 of 4 stars). 2 submissions from 2 submitters: Uncertain significance (1); Likely benign (1). Last evaluated 2025-12-15.

Conditions:
Primary ciliary dyskinesia 28. Also called: CILIARY DYSKINESIA, PRIMARY, 28, WITH OR WITHOUT SITUS INVERSUS. Identifiers: Orphanet 244, MedGen C3809706, MONDO:0014216, OMIM 615505.
Primary ciliary dyskinesia. Also called: Ciliary dyskinesia. Identifiers: Orphanet 244, MedGen C0008780, MONDO:0016575, HP:0012265.

Allele frequency attached by ClinVar (database versions not stated): gnomAD exomes 0.00001 and 0.00005; ExAC 0.00007; ESP Exome Variant Server 0.00008; gnomAD 0.00014; TOPMed 0.00019; 1000 Genomes Project 0.00040; 1000 Genomes Project 30x 0.00047.
gnomAD v4.1: 42 of 1,611,176 alleles (0.0026%); highest among the groups gnomAD compares: African/African-American, 0.051%; no homozygotes.

Submissions (2):

Ambry Genetics
Classification: Likely benign for Primary ciliary dyskinesia. Last evaluated: 2025-12-15. Review status: criteria provided, single submitter. Criteria: Ambry Variant Classification Scheme 2023. Collection method: clinical testing. Allele origin: germline.

Labcorp Genetics (formerly Invitae), Labcorp
Classification: Uncertain significance for Ciliary dyskinesia, primary, 28. Last evaluated: 2018-10-24. Review status: criteria provided, single submitter. Criteria: Invitae Variant Classification Sherloc (09022015). Collection method: clinical testing. Allele origin: germline.
Comment: This sequence change replaces glycine with aspartic acid at codon 49 of the SPAG1 protein (p.Gly49Asp). The glycine residue is moderately conserved and there is a moderate physicochemical difference between glycine and aspartic acid. This variant is present in population databases (rs373595762, ExAC 0.09%). This variant has not been reported in the literature in individuals with SPAG1-related disease. Algorithms developed to predict the effect of missense changes on protein structure and function are either unavailable or do not agree on the potential impact of this missense change (SIFT: "Deleterious"; PolyPhen-2: "Probably Damaging"; Align-GVGD: "Class C0"). In summary, the available evidence is currently insufficient to determine the role of this variant in disease. Therefore, it has been classified as a Variant of Uncertain Significance.

NM_003114.5(SPAG1):c.146G>A (p.Gly49Asp)

Gene: SPAG1 (sperm associated antigen 1; plus strand). Cytogenetic location: 8q22.2.
Variant type: single nucleotide variant.
Coding change: c.146G>A on transcript NM_003114.5 (MANE Select); coding-DNA position 146, G replaced by A.
Protein change: p.Gly49Asp; replaces glycine 49 with aspartic acid.
Molecular consequence: missense variant.
Genome position (GRCh38, 1-based): chr8:100,165,819, G>A. VCF-style: chr8-100165819-G-A. GRCh37 (hg19) VCF-style: chr8-101178047-G-A.
Other names: c.146G>A, p.Gly49Asp (NM_001374321.1, NM_172218.3); short protein forms G49D.
Identifiers: ClinVar variation 663863 (VCV000663863.2), dbSNP rs373595762, ClinGen allele CA4827191.